The following is an entry in ClinVar:

ClinVar aggregate classification (germline): Uncertain significance (1 of 4 stars; one submission).

Conditions:
Developmental and epileptic encephalopathy, 8 (DEE8). Also called: HYPEREKPLEXIA AND EPILEPSY. Identifiers: Orphanet 163985, Orphanet 2076, MedGen C1845102, MONDO:0010375, OMIM 300607.

Submission:

Labcorp Genetics (formerly Invitae), Labcorp
Classification: Uncertain significance for Developmental and epileptic encephalopathy, 8. Last evaluated: 2025-02-20. Review status: criteria provided, single submitter. Criteria: Invitae Variant Classification Sherloc (09022015). Collection method: clinical testing. Allele origin: germline.
Comment: This sequence change replaces alanine, which is neutral and non-polar, with valine, which is neutral and non-polar, at codon 461 of the ARHGEF9 protein (p.Ala461Val). This variant is not present in population databases (gnomAD no frequency). This variant has not been reported in the literature in individuals affected with ARHGEF9-related conditions. Invitae Evidence Modeling of protein sequence and biophysical properties (such as structural, functional, and spatial information, amino acid conservation, physicochemical variation, residue mobility, and thermodynamic stability) indicates that this missense variant is not expected to disrupt ARHGEF9 protein function with a negative predictive value of 95%. In summary, the available evidence is currently insufficient to determine the role of this variant in disease. Therefore, it has been classified as a Variant of Uncertain Significance.

NM_001353921.2(ARHGEF9):c.1403C>T (p.Ala468Val)

Gene: ARHGEF9 (Cdc42 guanine nucleotide exchange factor 9; minus strand). Cytogenetic location: Xq11.1.
Variant type: single nucleotide variant.
Coding change: c.1403C>T on transcript NM_001353921.2 (MANE Select); coding-DNA position 1403, C replaced by T.
Protein change: p.Ala468Val; replaces alanine 468 with valine.
Molecular consequence: missense variant. On other transcripts: 3 prime UTR variant (2).
Genome position (GRCh38, 1-based): chrX:63,638,197, G>A on the plus strand (C>T on the coding strand, the complement: ARHGEF9 is on the minus strand). VCF-style: chrX-63638197-G-A. GRCh37 (hg19) VCF-style: chrX-62858077-G-A.
Other names: c.1223C>T, p.Ala408Val (NM_001173479.2); c.1076C>T, p.Ala359Val (NM_001173480.2, NM_001369042.1); c.1319C>T, p.Ala440Val (NM_001330495.2, NM_001369033.1, NM_001369034.1 and 4 more transcripts); c.1271C>T, p.Ala424Val (NM_001353922.2); c.1421C>T, p.Ala474Val (NM_001353923.1); c.1202C>T, p.Ala401Val (NM_001353924.2, NM_001353926.2, NM_001369039.1 and 1 more transcripts); c.1187C>T, p.Ala396Val (NM_001353927.2, NM_001369041.1); c.1250C>T, p.Ala417Val (NM_001353928.2); and 3 more; short protein forms A359V, A474V, A424V, A440V, A461V, A468V, A396V, A401V.
Identifiers: ClinVar variation 3690394 (VCV003690394.2).